The following is an entry in ClinVar:

ClinVar aggregate classification (germline): Uncertain significance (1 of 4 stars; one submission).

Conditions:
Klippel-Feil syndrome 1, autosomal dominant (KFS1). Also called: CERVICAL VERTEBRAL FUSION, AUTOSOMAL DOMINANT. Identifiers: Orphanet 2345, MedGen C1861689, MONDO:0007306, OMIM 118100.
Isolated microphthalmia 4. Identifiers: Orphanet 2542, MedGen C2751307, MONDO:0013130, OMIM 613094.
Microphthalmia, isolated, with coloboma 6 (MCOPCB6). Also called: Microphthalmia with coloboma 6, digenic; Microphthalmia with coloboma 6; MICROPHTHALMIA/COLOBOMA 6. Identifiers: Orphanet 98938, MedGen C3150968, MONDO:0013376, OMIM 613703.
Leber congenital amaurosis 17 (LCA17). Identifiers: Orphanet 65, MedGen C3715164, MONDO:0014145, OMIM 615360.

Allele frequency attached by ClinVar (database versions not stated): gnomAD exomes below 0.00001.
gnomAD v4.1: 1 of 1,407,728 alleles (0.000071%); highest among the groups gnomAD compares: South Asian, 0.0016%; no homozygotes.

Submission:

Labcorp Genetics (formerly Invitae), Labcorp
Classification: Uncertain significance for Isolated microphthalmia 4; Leber congenital amaurosis 17; Klippel-Feil syndrome 1, autosomal dominant; Microphthalmia, isolated, with coloboma 6. Last evaluated: 2024-01-21. Review status: criteria provided, single submitter. Criteria: Invitae Variant Classification Sherloc (09022015). Collection method: clinical testing. Allele origin: germline.
Comment: This sequence change replaces aspartic acid, which is acidic and polar, with glycine, which is neutral and non-polar, at codon 321 of the GDF6 protein (p.Asp321Gly). This variant is not present in population databases (gnomAD no frequency). This variant has not been reported in the literature in individuals affected with GDF6-related conditions. ClinVar contains an entry for this variant (Variation ID: 1508432). An algorithm developed to predict the effect of missense changes on protein structure and function (PolyPhen-2) suggests that this variant is likely to be tolerated. In summary, the available evidence is currently insufficient to determine the role of this variant in disease. Therefore, it has been classified as a Variant of Uncertain Significance.

NM_001001557.4(GDF6):c.962A>G (p.Asp321Gly)

Gene: GDF6 (growth differentiation factor 6; minus strand). Cytogenetic location: 8q22.1.
Variant type: single nucleotide variant.
Coding change: c.962A>G on transcript NM_001001557.4 (MANE Select); coding-DNA position 962, A replaced by G.
Protein change: p.Asp321Gly; replaces aspartic acid 321 with glycine.
Molecular consequence: missense variant.
Genome position (GRCh38, 1-based): chr8:96,144,969, T>C on the plus strand (A>G on the coding strand, the complement: GDF6 is on the minus strand). VCF-style: chr8-96144969-T-C. GRCh37 (hg19) VCF-style: chr8-97157197-T-C.
Other names: short protein forms D321G.
Identifiers: ClinVar variation 1508432 (VCV001508432.8), dbSNP rs376698111, ClinGen allele CA181485026.
Genomic context (GRCh38, chr8:96,144,969, plus strand): 5'-CGACTGGCGAAGGCCGTGCGCCGCCGCCGGCGGCCGGGCGAGGGCAGCCAAGGCCTGGCA[T>C]CCGGGGCGCCCGACGGCGGCGGCCACGACCCCTCGGCGCCCGCGCCCGGGCCCGCAGCCT-3'
Protein context (NP_001001557.1, residues 311-331): GSWPPPSGAP[Asp321Gly]ARPWLPSPGR